The following is an entry in ClinVar:

ClinVar aggregate classification (germline): Pathogenic. Review status: reviewed by expert panel (3 of 4 stars). 10 submissions from 10 submitters: Pathogenic (1). 9 of the submissions do not count toward it. Last evaluated 2016-10-18.

Conditions:
Hereditary cancer-predisposing syndrome. Also called: Neoplastic Syndromes, Hereditary; Tumor predisposition; Hereditary Cancer Syndrome; Hereditary neoplastic syndrome. Identifiers: Orphanet 140162, MedGen C0027672, MeSH D009386, MONDO:0015356.
Hereditary breast ovarian cancer syndrome. Also called: Hereditary breast and/or ovarian cancer syndrome; Hereditary breast and ovarian cancer syndrome; Hereditary breast and ovarian cancer; Hereditary breast and ovarian cancer syndrome (HBOC); Breast and ovarian cancer; BRCA1- and BRCA2-Associated Hereditary Breast and Ovarian Cancer. Identifiers: Orphanet 145, MedGen C0677776, MeSH D061325, MONDO:0003582. Disease mechanism: loss of function.
Breast-ovarian cancer, familial, susceptibility to, 2 (BROVCA2). Also called: BRCA2 Hereditary Breast and Ovarian Cancer. Identifiers: Orphanet 145, MedGen C2675520, MONDO:0012933, OMIM 612555. Disease mechanism: loss of function.

gnomAD v4.1: 1 of 1,604,928 alleles (0.000062%); highest among the groups gnomAD compares: South Asian, 0.0011%; no homozygotes.

Submissions (10):

Evidence-based Network for the Interpretation of Germline Mutant Alleles (ENIGMA)
Classification: Pathogenic for Breast-ovarian cancer, familial, susceptibility to, 2. Last evaluated: 2016-10-18. Review status: reviewed by expert panel. Criteria: ENIGMA BRCA1/2 Classification Criteria (2015). Collection method: curation. Allele origin: germline.
Comment: Variant allele predicted to encode a truncated non-functional protein.

CeGaT Center for Human Genetics Tuebingen
Classification: Pathogenic. Last evaluated: 2026-03-01. Review status: criteria provided, single submitter. Criteria: CeGaT Center For Human Genetics Tuebingen Variant Classification Criteria Version 2. Collection method: clinical testing. Allele origin: germline. Affected: yes. Observed: 2 variant alleles. Not counted in ClinVar's aggregate classification.
Comment: BRCA2: PVS1, PM2, PS4:Moderate

Women's Health and Genetics/Laboratory Corporation of America, LabCorp
Classification: Pathogenic for Hereditary breast ovarian cancer syndrome. Last evaluated: 2026-01-20. Review status: criteria provided, single submitter. Criteria: LabCorp Variant Classification Summary - May 2015. Collection method: clinical testing. Allele origin: germline. Not counted in ClinVar's aggregate classification.
Comment: Variant summary: BRCA2 c.818C>A (p.Ser273X) results in a premature termination codon, predicted to cause a truncation of the encoded protein or absence of the protein due to nonsense mediated decay, which are commonly known mechanisms for disease. The variant was absent in 244264 control chromosomes. c.818C>A has been observed in individual(s) affected with Hereditary Breast And Ovarian Cancer Syndrome (e.g. Liu_2021). To our knowledge, no experimental evidence demonstrating an impact on protein function has been reported. The following publication has been ascertained in the context of this evaluation (PMID: 33461583). ClinVar contains an entry for this variant (Variation ID: 52523). Based on the evidence outlined above, the variant was classified as pathogenic.

Labcorp Genetics (formerly Invitae), Labcorp
Classification: Pathogenic for Hereditary breast ovarian cancer syndrome. Last evaluated: 2025-03-27. Review status: criteria provided, single submitter. Criteria: Invitae Variant Classification Sherloc (09022015). Collection method: clinical testing. Allele origin: germline. Not counted in ClinVar's aggregate classification.
Comment: This sequence change creates a premature translational stop signal (p.Ser273*) in the BRCA2 gene. It is expected to result in an absent or disrupted protein product. Loss-of-function variants in BRCA2 are known to be pathogenic (PMID: 20104584). This variant is not present in population databases (gnomAD no frequency). This premature translational stop signal has been observed in individual(s) with breast cancer (PMID: 12938098, 29446198). This variant is also known as 1046C>A S273X. ClinVar contains an entry for this variant (Variation ID: 52523). For these reasons, this variant has been classified as Pathogenic.

Ambry Genetics
Classification: Pathogenic for Hereditary cancer-predisposing syndrome. Last evaluated: 2023-11-13. Review status: criteria provided, single submitter. Criteria: Ambry Variant Classification Scheme 2023. Collection method: clinical testing. Allele origin: germline. Not counted in ClinVar's aggregate classification.
Comment: The p.S273* pathogenic mutation (also known as c.818C>A), located in coding exon 9 of the BRCA2 gene, results from a C to A substitution at nucleotide position 818. This changes the amino acid from a serine to a stop codon within coding exon 9. This variant is considered to be rare based on population cohorts in the Genome Aggregation Database (gnomAD). This alteration is expected to result in loss of function by premature protein truncation or nonsense-mediated mRNA decay. As such, this alteration is interpreted as a disease-causing mutation.

Color Diagnostics, LLC DBA Color Health
Classification: Pathogenic for Hereditary cancer-predisposing syndrome. Last evaluated: 2021-11-02. Review status: criteria provided, single submitter. Criteria: ACMG Guidelines, 2015. Collection method: clinical testing. Allele origin: germline. Not counted in ClinVar's aggregate classification.
Comment: This variant changes 1 nucleotide in exon 10 of the BRCA2 gene, creating a premature translation stop signal. This variant is expected to result in an absent or non-functional protein product. This variant has been detected in at least one individual affected with breast cancer and reported in a hereditary breast cancer family (PMID: 12938098, 33471991; Leiden Open Variation Database DB-ID BRCA2_004148). This and a different mutation resulting in a nonsense codon at the same position also have been identified in 3 families among the CIMBA participants (PMID: 29446198). This variant has not been identified in the general population by the Genome Aggregation Database (gnomAD). Loss of BRCA2 function is a known mechanism of disease. Based on the available evidence, this variant is classified as Pathogenic.

GeneDx
Classification: Pathogenic. Last evaluated: 2017-02-21. Review status: criteria provided, single submitter. Criteria: GeneDx Variant Classification (06012015). Collection method: clinical testing. Allele origin: germline. Affected: yes. Not counted in ClinVar's aggregate classification.
Comment: This variant is denoted BRCA2 c.818C>A at the cDNA level and p.Ser273Ter (S273X) at the protein level. Using alternate nomenclature, this variant is defined as BRCA2 1046C>A. The substitution creates a nonsense variant, which changes a Serine to a premature stop codon (TCA>TAA), and is predicted to cause loss of normal protein function through either protein truncation or nonsense-mediated mRNA decay. This variant has been reported in association with hereditary breast and ovarian cancer (Meyer 2003) and is considered pathogenic.

Quest Diagnostics Nichols Institute San Juan Capistrano
Classification: Pathogenic for Breast-ovarian cancer, familial, susceptibility to, 2. Last evaluated: 2015-11-11. Review status: criteria provided, single submitter. Criteria: Quest Diagnostics criteria. Collection method: clinical testing. Allele origin: germline. Inheritance: Autosomal dominant inheritance. Not counted in ClinVar's aggregate classification.

Consortium of Investigators of Modifiers of BRCA1/2 (CIMBA), c/o University of Cambridge
Classification: Pathogenic for Breast-ovarian cancer, familial, susceptibility to, 2. Last evaluated: 2015-10-02. Review status: criteria provided, single submitter. Criteria: CIMBA Mutation Classification guidelines May 2016. Collection method: clinical testing. Allele origin: germline. Not counted in ClinVar's aggregate classification.

Juno Genomics, Hangzhou Juno Genomics, Inc
Classification: Pathogenic for Breast-ovarian cancer, familial, susceptibility to, 2. Review status: criteria provided, single submitter. Criteria: ACMG Guidelines, 2015. Collection method: clinical testing. Allele origin: germline. Not counted in ClinVar's aggregate classification.
Comment: Absent from controls (or at extremely low frequency if recessive) in Genome Aggregation Database.;Null variant in a gene where loss of function (LOF) is a known mechanism of disease.;Novel missense change at an amino acid residue where a different missense change determined to be pathogenic has been seen before.

Literature cited by the submitters: PubMed 33461583 (cited by Women's Health and Genetics/Laboratory Corporation of America, LabCorp); PubMed 20104584 (cited by Labcorp Genetics (formerly Invitae), Labcorp); PubMed 12938098 (cited by 4 submitters); PubMed 29446198 (cited by Labcorp Genetics (formerly Invitae), Labcorp and Color Diagnostics, LLC DBA Color Health); PubMed 25525159 (cited by Ambry Genetics); PubMed 33471991 (cited by Color Diagnostics, LLC DBA Color Health); PubMed 26295337 (cited by Quest Diagnostics Nichols Institute San Juan Capistrano).

NM_000059.4(BRCA2):c.818C>A (p.Ser273Ter)

Gene: BRCA2 (BRCA2 DNA repair associated; plus strand). Cytogenetic location: 13q13.1.
Variant type: single nucleotide variant.
Coding change: c.818C>A on transcript NM_000059.4 (MANE Select); coding-DNA position 818, C replaced by A.
Protein change: p.Ser273Ter; replaces serine 273 with a stop codon.
Molecular consequence: nonsense.
Genome position (GRCh38, 1-based): chr13:32,332,296, C>A. VCF-style: chr13-32332296-C-A. GRCh37 (hg19) VCF-style: chr13-32906433-C-A.
Other names: 1046C>A; short protein forms S273*.
Identifiers: ClinVar variation 52523 (VCV000052523.29), dbSNP rs80359068, ClinGen allele CA025501.